The following is an entry in ClinVar:

ClinVar aggregate classification (germline): Uncertain significance (1 of 4 stars; one submission).

Conditions:
Autosomal recessive limb-girdle muscular dystrophy type 2O. Also called: Limb-Girdle Muscular Dystrophy Type 3C; MUSCULAR DYSTROPHY-DYSTROGLYCANOPATHY (LIMB-GIRDLE), TYPE C, 3; MUSCULAR DYSTROPHY-DYSTROGLYCANOPATHY, LIMB-GIRDLE, POMGNT1-RELATED. Identifiers: Orphanet 206564, MedGen C3150417, MONDO:0013161, OMIM 613157.
Muscular dystrophy-dystroglycanopathy (congenital with impaired intellectual development), type B, 3. Also called: Muscular dystrophy-dystroglycanopathy (congenital with intellectual disability), type B3; MUSCULAR DYSTROPHY, CONGENITAL, POMGNT1-RELATED. Identifiers: MedGen C3150412, MONDO:0013155, OMIM 613151.

Submission:

Labcorp Genetics (formerly Invitae), Labcorp
Classification: Uncertain significance for Autosomal recessive limb-girdle muscular dystrophy type 2O; Muscular dystrophy-dystroglycanopathy (congenital with impaired intellectual development), type B, 3. Last evaluated: 2022-08-09. Review status: criteria provided, single submitter. Criteria: Invitae Variant Classification Sherloc (09022015). Collection method: clinical testing. Allele origin: germline.
Comment: In summary, the available evidence is currently insufficient to determine the role of this variant in disease. Therefore, it has been classified as a Variant of Uncertain Significance. Algorithms developed to predict the effect of sequence changes on RNA splicing suggest that this variant may disrupt the consensus splice site. Algorithms developed to predict the effect of missense changes on protein structure and function are either unavailable or do not agree on the potential impact of this missense change (SIFT: "Tolerated"; PolyPhen-2: "Probably Damaging"; Align-GVGD: "Class C0"). This variant has not been reported in the literature in individuals affected with POMGNT1-related conditions. This variant is not present in population databases (gnomAD no frequency). This sequence change replaces glutamine, which is neutral and polar, with leucine, which is neutral and non-polar, at codon 370 of the POMGNT1 protein (p.Gln370Leu).

NM_017739.4(POMGNT1):c.1109A>T (p.Gln370Leu)

Genes: POMGNT1 (protein O-linked mannose N-acetylglucosaminyltransferase 1 (beta 1,2-); minus strand), TSPAN1 (tetraspanin 1; plus strand). Cytogenetic location: 1p34.1.
Variant type: single nucleotide variant.
Coding change: c.1109A>T on transcript NM_017739.4 (MANE Select); coding-DNA position 1109, A replaced by T.
Protein change: p.Gln370Leu; replaces glutamine 370 with leucine.
Molecular consequence: missense variant.
Genome position (GRCh38, 1-based): chr1:46,193,306, T>A on the plus strand (A>T on the coding strand, the complement: POMGNT1 is on the minus strand). VCF-style: chr1-46193306-T-A. GRCh37 (hg19) VCF-style: chr1-46658978-T-A.
Other names: c.1109A>T, p.Gln370Leu (NM_001243766.2, NM_001410783.1); c.1043A>T, p.Gln348Leu (NM_001290129.3); c.680A>T, p.Gln227Leu (NM_001290130.2); short protein forms Q227L, Q348L, Q370L.
Identifiers: ClinVar variation 1715934 (VCV001715934.6), dbSNP rs2525405791, ClinGen allele CA340179697.
Genomic context (GRCh38, chr1:46,193,306, plus strand): 5'-GCTTTAGGGTAGAAGGCAGAGCCAGGTGTCTGCCCCATCCCCACTTGCCTATGCAGTACC[T>A]GAGACACGCGGGCATTCTTGATGCTGATGGGAGTATGCTGGATGCCCCTCAGACCAAACA-3'
Protein context (NP_060209.4, residues 360-380): PISIKNARVS[Gln370Leu]HYKASLTATF